The following is an entry in ClinVar:

NM_001291303.3(FAT4):c.11152C>T (p.Arg3718Cys)

Gene: FAT4 (FAT atypical cadherin 4; plus strand). Cytogenetic location: 4q28.1.
Variant type: single nucleotide variant.
Coding change: c.11152C>T on transcript NM_001291303.3 (MANE Select); coding-DNA position 11152, C replaced by T.
Protein change: p.Arg3718Cys; replaces arginine 3718 with cysteine.
Molecular consequence: missense variant.
Genome position (GRCh38, 1-based): chr4:125,452,162, C>T. VCF-style: chr4-125452162-C-T. GRCh37 (hg19) VCF-style: chr4-126373317-C-T.
Other names: c.11152C>T, p.Arg3718Cys (NM_001291285.3); c.11146C>T, p.Arg3716Cys (NM_024582.6); c.11146C>T (NM_024582.4, NM_024582.5); short protein forms R3716C, R3718C.
Identifiers: ClinVar variation 1053385 (VCV001053385.6), dbSNP rs774217003, ClinGen allele CA3073797.

ClinVar aggregate classification (germline): Uncertain significance. Review status: criteria provided, multiple submitters, no conflicts (2 of 4 stars). 3 submissions from 3 submitters: Uncertain significance (3). Last evaluated 2024-06-02.

Conditions:
Inborn genetic diseases. Identifiers: MedGen C0950123, MeSH D030342.
Van Maldergem syndrome 2 (VMLDS2). Identifiers: Orphanet 314679, MedGen C3809875, MONDO:0014242, OMIM 615546.
Hennekam lymphangiectasia-lymphedema syndrome 2 (HKLLS2). Identifiers: Orphanet 2136, MedGen C4014939, MONDO:0014454, OMIM 616006.

Allele frequency attached by ClinVar (database versions not stated): gnomAD 0.00002 and 0.00003; gnomAD exomes 0.00002 and 0.00003; TOPMed 0.00007.
gnomAD v4.1: 47 of 1,614,100 alleles (0.0029%); highest among the groups gnomAD compares: Middle Eastern, 0.016%; no homozygotes.

Submissions (3):

Fulgent Genetics
Classification: Uncertain significance for Van Maldergem syndrome 2; Hennekam lymphangiectasia-lymphedema syndrome 2. Last evaluated: 2024-06-02. Review status: criteria provided, single submitter. Criteria: ACMG Guidelines, 2015. Collection method: clinical testing. Allele origin: germline.

Labcorp Genetics (formerly Invitae), Labcorp
Classification: Uncertain significance. Last evaluated: 2024-01-14. Review status: criteria provided, single submitter. Criteria: Invitae Variant Classification Sherloc (09022015). Collection method: clinical testing. Allele origin: germline.
Comment: This sequence change replaces arginine, which is basic and polar, with cysteine, which is neutral and slightly polar, at codon 3716 of the FAT4 protein (p.Arg3716Cys). This variant is present in population databases (rs774217003, gnomAD 0.009%). This variant has not been reported in the literature in individuals affected with FAT4-related conditions. ClinVar contains an entry for this variant (Variation ID: 1053385). Advanced modeling of protein sequence and biophysical properties (such as structural, functional, and spatial information, amino acid conservation, physicochemical variation, residue mobility, and thermodynamic stability) performed at Invitae indicates that this missense variant is not expected to disrupt FAT4 protein function with a negative predictive value of 95%. In summary, the available evidence is currently insufficient to determine the role of this variant in disease. Therefore, it has been classified as a Variant of Uncertain Significance.

Ambry Genetics
Classification: Uncertain significance for Inborn genetic diseases. Last evaluated: 2021-10-26. Review status: criteria provided, single submitter. Criteria: Ambry Variant Classification Scheme 2023. Collection method: clinical testing. Allele origin: germline.